The following is an entry in ClinVar:

ClinVar aggregate classification (germline): Uncertain significance (1 of 4 stars; one submission).

gnomAD v4.1: 5 of 1,613,080 alleles (0.00031%); highest among the groups gnomAD compares: African/African-American, 0.0053%; no homozygotes.

Submission:

GeneDx
Classification: Uncertain significance. Last evaluated: 2024-03-12. Review status: criteria provided, single submitter. Criteria: GeneDx Variant Classification Process June 2021. Collection method: clinical testing. Allele origin: germline. Affected: yes.
Comment: In silico analysis supports that this missense variant has a deleterious effect on protein structure/function; Has not been previously published as pathogenic or benign to our knowledge

NM_014846.4(WASHC5):c.2867T>C (p.Ile956Thr)

Gene: WASHC5 (WASH complex subunit 5; minus strand). Cytogenetic location: 8q24.13.
Variant type: single nucleotide variant.
Coding change: c.2867T>C on transcript NM_014846.4 (MANE Select); coding-DNA position 2867, T replaced by C.
Protein change: p.Ile956Thr; replaces isoleucine 956 with threonine.
Molecular consequence: missense variant.
Genome position (GRCh38, 1-based): chr8:125,039,882, A>G on the plus strand (T>C on the coding strand, the complement: WASHC5 is on the minus strand). VCF-style: chr8-125039882-A-G. GRCh37 (hg19) VCF-style: chr8-126052124-A-G.
Other names: c.2423T>C, p.Ile808Thr (NM_001330609.2); short protein forms I808T, I956T.
Identifiers: ClinVar variation 3342733 (VCV003342733.1).